The following is an entry in ClinVar:

ClinVar aggregate classification (germline): Uncertain significance (1 of 4 stars; one submission).

Conditions:
Gastrointestinal stromal tumor. Also called: Gastrointestinal stroma tumor; Gastrointestinal stromal tumor, somatic. Identifiers: Orphanet 44890, MedGen C0238198, MeSH D046152, MONDO:0011719, OMIM 606764, HP:0100723.

Submission:

Labcorp Genetics (formerly Invitae), Labcorp
Classification: Uncertain significance for Gastrointestinal stromal tumor. Last evaluated: 2021-04-08. Review status: criteria provided, single submitter. Criteria: Invitae Variant Classification Sherloc (09022015). Collection method: clinical testing. Allele origin: germline.
Comment: This variant has not been reported in the literature in individuals with KIT-related conditions. This variant is not present in population databases (ExAC no frequency). This sequence change replaces glycine with glutamic acid at codon 565 of the KIT protein (p.Gly565Glu). The glycine residue is highly conserved and there is a moderate physicochemical difference between glycine and glutamic acid. In summary, the available evidence is currently insufficient to determine the role of this variant in disease. Therefore, it has been classified as a Variant of Uncertain Significance. Algorithms developed to predict the effect of missense changes on protein structure and function (SIFT, PolyPhen-2, Align-GVGD) all suggest that this variant is likely to be disruptive, but these predictions have not been confirmed by published functional studies and their clinical significance is uncertain.

NM_000222.3(KIT):c.1694G>A (p.Gly565Glu)

Gene: KIT (KIT proto-oncogene, receptor tyrosine kinase; plus strand). Cytogenetic location: 4q12.
Variant type: single nucleotide variant.
Coding change: c.1694G>A on transcript NM_000222.3 (MANE Select); coding-DNA position 1694, G replaced by A.
Protein change: p.Gly565Glu; replaces glycine 565 with glutamic acid.
Molecular consequence: missense variant.
Genome position (GRCh38, 1-based): chr4:54,727,462, G>A. VCF-style: chr4-54727462-G-A. GRCh37 (hg19) VCF-style: chr4-55593628-G-A.
Other names: c.1682G>A, p.Gly561Glu (NM_001093772.2, NM_001385286.1); c.1697G>A, p.Gly566Glu (NM_001385284.1, NM_001385290.1); c.1694G>A, p.Gly565Glu (NM_001385285.1); c.1685G>A, p.Gly562Glu (NM_001385288.1, NM_001385292.1); short protein forms G561E, G566E, G562E, G565E.
Identifiers: ClinVar variation 1436189 (VCV001436189.8), dbSNP rs200945282, ClinGen allele CA356907507.